The following is an entry in ClinVar:

NM_003873.7(NRP1):c.511C>T (p.Leu171Phe)

Genes: NRP1 (neuropilin 1; minus strand), LOC126860910 (P300/CBP strongly-dependent group 1 enhancer GRCh37_chr10:33552654-33553853; plus strand). Cytogenetic location: 10p11.22.
Variant type: single nucleotide variant.
Coding change: c.511C>T on transcript NM_003873.7 (MANE Select); coding-DNA position 511, C replaced by T.
Protein change: p.Leu171Phe; replaces leucine 171 with phenylalanine.
Molecular consequence: missense variant. On other transcripts: non-coding transcript variant (1).
Genome position (GRCh38, 1-based): chr10:33,263,793, G>A on the plus strand (C>T on the coding strand, the complement: NRP1 is on the minus strand). VCF-style: chr10-33263793-G-A. GRCh37 (hg19) VCF-style: chr10-33552721-G-A.
Other names: c.511C>T, p.Leu171Phe (NM_001024628.3, NM_001024629.3, NM_001244972.2 and 2 more transcripts); short protein forms L171F.
Identifiers: ClinVar variation 3350606 (VCV003350606.2).

ClinVar aggregate classification (germline): Uncertain significance (1 of 4 stars; one submission).

Conditions:
NRP1-related disorder. Also called: NRP1-related condition.

gnomAD v4.1: 116 of 1,613,582 alleles (0.0072%); highest among the groups gnomAD compares: Non-Finnish European, 0.0091%; no homozygotes.

Submission:

PreventionGenetics, part of Exact Sciences
Classification: Uncertain significance for NRP1-related condition. Last evaluated: 2025-12-02. Review status: criteria provided, single submitter. Criteria: ACMG Guidelines, 2015. Collection method: clinical testing. Allele origin: germline.
Comment: The NRP1 c.511C>T variant is predicted to result in the amino acid substitution p.Leu171Phe. To our knowledge, this variant has not been reported in the literature. This variant is reported in 0.0040% of alleles in individuals of African descent in gnomAD. At this time, the clinical significance of this variant is uncertain due to the absence of conclusive functional and genetic evidence.